The following is an entry in ClinVar:

NM_001197104.2(KMT2A):c.166del (p.Ser56fs)

Gene: KMT2A (lysine methyltransferase 2A; plus strand). Cytogenetic location: 11q23.3.
Variant type: Deletion.
Coding change: c.166del on transcript NM_001197104.2 (MANE Select); coding-DNA position 166, one base deleted (T; older notation c.166delT).
Protein change: p.Ser56fs; shifts the reading frame from serine 56.
Molecular consequence: frameshift variant.
Genome position (GRCh38, 1-based): chr11:118,436,678, T deleted. VCF-style (leftmost placement, unchanged base first): chr11-118436677-CT-C. GRCh37 (hg19) VCF-style: chr11-118307392-CT-C.
Other names: c.166del, p.Ser56fs (NM_001412597.1, NM_005933.4); short protein forms S56fs.
Identifiers: ClinVar variation 5040388 (VCV005040388.1).

ClinVar aggregate classification (germline): Pathogenic (1 of 4 stars; one submission).

Submission:

CeGaT Center for Human Genetics Tuebingen
Classification: Pathogenic. Last evaluated: 2026-08-01. Review status: criteria provided, single submitter. Criteria: CeGaT Center For Human Genetics Tuebingen Variant Classification Criteria Version 2. Collection method: clinical testing. Allele origin: germline. Affected: yes. Observed: 1 variant allele.
Comment: KMT2A: PS2, PVS1:Strong, PM2